The following is an entry in ClinVar:

NM_024312.5(GNPTAB):c.176A>C (p.Asn59Thr)

Gene: GNPTAB (N-acetylglucosamine-1-phosphate transferase subunits alpha and beta; minus strand). Cytogenetic location: 12q23.2.
Variant type: single nucleotide variant.
Coding change: c.176A>C on transcript NM_024312.5 (MANE Select); coding-DNA position 176, A replaced by C.
Protein change: p.Asn59Thr; replaces asparagine 59 with threonine.
Molecular consequence: missense variant.
Genome position (GRCh38, 1-based): chr12:101,796,704, T>G on the plus strand (A>C on the coding strand, the complement: GNPTAB is on the minus strand). VCF-style: chr12-101796704-T-G. GRCh37 (hg19) VCF-style: chr12-102190482-T-G.
Other names: short protein forms N59T.
Identifiers: ClinVar variation 1714111 (VCV001714111.5), dbSNP rs768260736, ClinGen allele CA386305699.
Genomic context (GRCh38, chr12:101,796,704, plus strand): 5'-CCAAATAATAGATTTCTCCAAAATAGATCTTACCGATTCTGAAAGGACTTTCCAGCAATA[T>G]TGTCTCTATAGGAATCAAACAAAACATGGTATTGATCTCGGCTCCATTCCAGAACCACCT-3'
Protein context (NP_077288.2, residues 49-69): YHVLFDSYRD[Asn59Thr]IAGKSFQNRL

ClinVar aggregate classification (germline): Uncertain significance (1 of 4 stars; one submission).

Conditions:
Pseudo-Hurler polydystrophy. Also called: ML III; ML III ALPHA/BETA; MUCOLIPIDOSIS IIIA; Type III Mucolipidosis; ML IIIA; Mucolipidosis III Alpha/Beta. Identifiers: Orphanet 423461, Orphanet 577, MedGen C0033788, MONDO:0018931, OMIM 252600.
Mucolipidosis type II. Also called: ML II ALPHA/BETA; Mucolipidosis II Alpha/Beta; Mucolipidosis 2; ML 2; Inclusion cell disease; Leroy Disease. Identifiers: Orphanet 576, MedGen C2673377, MONDO:0009650, OMIM 252500.

Submission:

Labcorp Genetics (formerly Invitae), Labcorp
Classification: Uncertain significance for Pseudo-Hurler polydystrophy; Mucolipidosis type II. Last evaluated: 2022-08-27. Review status: criteria provided, single submitter. Criteria: Invitae Variant Classification Sherloc (09022015). Collection method: clinical testing. Allele origin: germline.
Comment: In summary, the available evidence is currently insufficient to determine the role of this variant in disease. Therefore, it has been classified as a Variant of Uncertain Significance. Algorithms developed to predict the effect of missense changes on protein structure and function are either unavailable or do not agree on the potential impact of this missense change (SIFT: "Deleterious"; PolyPhen-2: "Probably Damaging"; Align-GVGD: "Class C0"). This sequence change replaces asparagine, which is neutral and polar, with threonine, which is neutral and polar, at codon 59 of the GNPTAB protein (p.Asn59Thr). This variant is not present in population databases (gnomAD no frequency). This variant has not been reported in the literature in individuals affected with GNPTAB-related conditions.